The following is an entry in ClinVar:

ClinVar aggregate classification (germline): Benign (1 of 4 stars; one submission).

Conditions:
MELAS syndrome (MELAS). Also called: Juvenile myopathy, encephalopathy, lactic acidosis, stroke. Identifiers: Orphanet 550, MedGen C0162671, MONDO:0010789, OMIM 540000.

Submission:

Wong Mito Lab, Molecular and Human Genetics, Baylor College of Medicine
Classification: Benign for MELAS syndrome. Last evaluated: 2019-07-12. Review status: criteria provided, single submitter. Criteria: Modified ACMG Guidelines (Unpublished). Collection method: clinical testing. Allele origin: germline.
Comment: The NC_012920.1:m.15977C>T variant in MT-TP gene is interpreted to be a Benign variant based on the modified ACMG guidelines (unpublished). This variant meets the following evidence codes reported in the guidelines: BS1, BS2, BP4

Literature cited by the submitters: PubMed 31965079 (cited by Wong Mito Lab, Molecular and Human Genetics, Baylor College of Medicine).

NC_012920.1(MT-TP):m.15977C>T

Gene: MT-TP (mitochondrially encoded tRNA proline; minus strand).
Variant type: single nucleotide variant.
Genome position: chrM-15977-C-T.
Identifiers: ClinVar variation 690264 (VCV000690264.3), dbSNP rs1556424716, ClinGen allele CA913175350.